The following is an entry in ClinVar:

NM_022089.4(ATP13A2):c.2404G>A (p.Gly802Ser)

Gene: ATP13A2 (ATPase cation transporting 13A2; minus strand). Cytogenetic location: 1p36.13.
Variant type: single nucleotide variant.
Coding change: c.2404G>A on transcript NM_022089.4 (MANE Select); coding-DNA position 2404, G replaced by A.
Protein change: p.Gly802Ser; replaces glycine 802 with serine.
Molecular consequence: missense variant.
Genome position (GRCh38, 1-based): chr1:16,990,135, C>T on the plus strand (G>A on the coding strand, the complement: ATP13A2 is on the minus strand). VCF-style: chr1-16990135-C-T. GRCh37 (hg19) VCF-style: chr1-17316630-C-T.
Other names: c.2389G>A, p.Gly797Ser (NM_001141973.3, NM_001141974.3); short protein forms G802S, G797S.
Identifiers: ClinVar variation 533802 (VCV000533802.10), dbSNP rs752487771, ClinGen allele CA636856.

ClinVar aggregate classification (germline): Conflicting classifications of pathogenicity. Review status: criteria provided, conflicting classifications (1 of 4 stars). 4 submissions from 4 submitters: Uncertain significance (2); Likely benign (2). Last evaluated 2026-07-01.

Conditions:
Inborn genetic diseases. Identifiers: MedGen C0950123, MeSH D030342.
Autosomal recessive spastic paraplegia type 78. Identifiers: Orphanet 513436, MedGen C5567893, MONDO:0014975, OMIM 617225.
Kufor-Rakeb syndrome (KRS). Also called: PARKINSON DISEASE 9, AUTOSOMAL RECESSIVE, JUVENILE-ONSET. Identifiers: Orphanet 306674, Orphanet 314632, MedGen C1847640, MONDO:0011706, OMIM 606693.

Allele frequency attached by ClinVar (database versions not stated): TOPMed 0.00007; gnomAD exomes 0.00013 and 0.00020; gnomAD 0.00024 and 0.00025; ExAC 0.00026.
gnomAD v4.1: 220 of 1,614,148 alleles (0.014%); highest among the groups gnomAD compares: Non-Finnish European, 0.014%; no homozygotes.

Submissions (4):

CeGaT Center for Human Genetics Tuebingen
Classification: Likely benign. Last evaluated: 2026-07-01. Review status: criteria provided, single submitter. Criteria: CeGaT Center For Human Genetics Tuebingen Variant Classification Criteria Version 2. Collection method: clinical testing. Allele origin: germline. Affected: yes. Observed: 1 variant allele.
Comment: ATP13A2: BP4

Labcorp Genetics (formerly Invitae), Labcorp
Classification: Uncertain significance for Kufor-Rakeb syndrome; Autosomal recessive spastic paraplegia type 78. Last evaluated: 2025-12-15. Review status: criteria provided, single submitter. Criteria: Invitae Variant Classification Sherloc (09022015). Collection method: clinical testing. Allele origin: germline.
Comment: This sequence change replaces glycine, which is neutral and non-polar, with serine, which is neutral and polar, at codon 802 of the ATP13A2 protein (p.Gly802Ser). This variant is present in population databases (rs752487771, gnomAD 0.05%). This variant has not been reported in the literature in individuals affected with ATP13A2-related conditions. ClinVar contains an entry for this variant (Variation ID: 533802). Invitae Evidence Modeling of protein sequence and biophysical properties (such as structural, functional, and spatial information, amino acid conservation, physicochemical variation, residue mobility, and thermodynamic stability) indicates that this missense variant is not expected to disrupt ATP13A2 protein function with a negative predictive value of 80%. In summary, the available evidence is currently insufficient to determine the role of this variant in disease. Therefore, it has been classified as a Variant of Uncertain Significance.

Ambry Genetics
Classification: Likely benign for Inborn genetic diseases. Last evaluated: 2024-11-26. Review status: criteria provided, single submitter. Criteria: Ambry Variant Classification Scheme 2023. Collection method: clinical testing. Allele origin: germline.

GeneDx
Classification: Uncertain significance. Last evaluated: 2019-08-08. Review status: criteria provided, single submitter. Criteria: GeneDx Variant Classification Process June 2021. Collection method: clinical testing. Allele origin: germline. Affected: yes.
Comment: In silico analysis, which includes protein predictors and evolutionary conservation, supports a deleterious effect; Has not been previously published as pathogenic or benign to our knowledge